The following is an entry in ClinVar:

NM_000433.4(NCF2):c.584dup (p.Lys196fs)

Gene: NCF2 (neutrophil cytosolic factor 2; minus strand). Cytogenetic location: 1q25.3.
Variant type: Duplication.
Coding change: c.584dup on transcript NM_000433.4 (MANE Select); coding-DNA position 584, one base duplicated (A; older notation c.584dupA).
Protein change: p.Lys196fs; shifts the reading frame from lysine 196.
Molecular consequence: frameshift variant. On other transcripts: intron variant (2).
Genome position (GRCh38, 1-based): chr1:183,573,210, T duplicated on the plus strand (A on the coding strand, the reverse complement: NCF2 is on the minus strand); the first of 2 consecutive T bases (chr1:183,573,210-183,573,211); duplicating either gives the same sequence. VCF-style (leftmost placement, unchanged base first): chr1-183573209-C-CT. GRCh37 (hg19) VCF-style: chr1-183542344-C-CT.
Other names: c.584dup, p.Lys196fs (NM_001127651.3); c.449dup, p.Lys151fs (NM_001190794.2); c.501+1277dup (NM_001410895.1); c.367-2371dup (NM_001190789.2); short protein forms K151fs, K196fs.
Identifiers: ClinVar variation 4718696 (VCV004718696.1).

ClinVar aggregate classification (germline): Pathogenic (1 of 4 stars; one submission).

Conditions:
Granulomatous disease, chronic, autosomal recessive, cytochrome b-positive, type 2. Also called: GRANULOMATOUS DISEASE, CHRONIC, DUE TO NCF2 DEFICIENCY; GRANULOMATOUS DISEASE, CHRONIC, AUTOSOMAL RECESSIVE, 2; Chronic granulomatous disease due to deficiency of NCF-2; Chronic Granulomatous Disease, Autosomal Recessive, Cytochrome b-Positive, Type II; CGD, AUTOSOMAL RECESSIVE CYTOCHROME b-POSITIVE, TYPE II. Identifiers: Orphanet 379, MedGen C1856245, MONDO:0009310, OMIM 233710.

Submission:

Labcorp Genetics (formerly Invitae), Labcorp
Classification: Pathogenic for Granulomatous disease, chronic, autosomal recessive, cytochrome b-positive, type 2. Last evaluated: 2025-04-30. Review status: criteria provided, single submitter. Criteria: Invitae Variant Classification Sherloc (09022015). Collection method: clinical testing. Allele origin: germline.
Comment: This sequence change creates a premature translational stop signal (p.Lys196Glufs*31) in the NCF2 gene. It is expected to result in an absent or disrupted protein product. Loss-of-function variants in NCF2 are known to be pathogenic (PMID: 10498624, 20167518). This variant is not present in population databases (gnomAD no frequency). This variant has not been reported in the literature in individuals affected with NCF2-related conditions. For these reasons, this variant has been classified as Pathogenic.

Literature cited by the submitters: PubMed 10498624; PubMed 20167518.